The following is an entry in ClinVar:

NM_000161.3(GCH1):c.734T>C (p.Leu245Pro)

Gene: GCH1 (GTP cyclohydrolase 1; minus strand). Cytogenetic location: 14q22.2.
Variant type: single nucleotide variant.
Coding change: c.734T>C on transcript NM_000161.3 (MANE Select); coding-DNA position 734, T replaced by C.
Protein change: p.Leu245Pro; replaces leucine 245 with proline.
Molecular consequence: missense variant. On other transcripts: intron variant (2).
Genome position (GRCh38, 1-based): chr14:54,844,036, A>G on the plus strand (T>C on the coding strand, the complement: GCH1 is on the minus strand). VCF-style: chr14-54844036-A-G. GRCh37 (hg19) VCF-style: chr14-55310754-A-G.
Other names: c.734T>C, p.Leu245Pro (NM_001024024.2); c.627-982T>C (NM_001024071.2); c.627-167T>C (NM_001024070.2); short protein forms L245P.
Identifiers: ClinVar variation 1191883 (VCV001191883.5), dbSNP rs2140038736, ClinGen allele CA389786632.

ClinVar aggregate classification (germline): Uncertain significance (1 of 4 stars; one submission).

Submission:

GeneDx
Classification: Uncertain significance. Last evaluated: 2023-04-26. Review status: criteria provided, single submitter. Criteria: GeneDx Variant Classification Process June 2021. Collection method: clinical testing. Allele origin: germline. Affected: yes.
Comment: Not observed at significant frequency in large population cohorts (gnomAD); In silico analysis supports that this missense variant has a deleterious effect on protein structure/function; Has not been previously published as pathogenic or benign to our knowledge